The following is an entry in ClinVar:

ClinVar aggregate classification (germline): Likely pathogenic (1 of 4 stars; one submission).

Conditions:
Retinitis pigmentosa 1 (RP1). Identifiers: Orphanet 791, MedGen C0220701, MONDO:0008377, OMIM 180100.

Submission:

Ocular Genomics Institute, Massachusetts Eye and Ear
Classification: Likely pathogenic for Retinitis pigmentosa 1. Last evaluated: 2021-04-08. Review status: criteria provided, single submitter. Criteria: ACMG Guidelines, 2015. Collection method: research. Allele origin: germline. Affected: yes.
Comment: Through a review of available evidence we were able to apply the following criteria: PVS1, PM2. Based on this evidence we have classified this variant as Likely Pathogenic.

NM_006269.2(RP1):c.2515C>T (p.Gln839Ter)

Gene: RP1 (RP1 axonemal microtubule associated; plus strand). Cytogenetic location: 8q12.1.
Variant type: single nucleotide variant.
Coding change: c.2515C>T on transcript NM_006269.2 (MANE Select); coding-DNA position 2515, C replaced by T.
Protein change: p.Gln839Ter; replaces glutamine 839 with a stop codon.
Molecular consequence: nonsense. On other transcripts: intron variant (1).
Genome position (GRCh38, 1-based): chr8:54,626,397, C>T. VCF-style: chr8-54626397-C-T. GRCh37 (hg19) VCF-style: chr8-55538957-C-T.
Other names: c.787+4109C>T (NM_001375654.1); short protein forms Q839*.
Identifiers: ClinVar variation 1065704 (VCV001065704.1), dbSNP rs2129316679, ClinGen allele CA370994016.